The following is an entry in ClinVar:

ClinVar aggregate classification (germline): Uncertain significance. Review status: criteria provided, multiple submitters, no conflicts (2 of 4 stars). 2 submissions from 2 submitters: Uncertain significance (2). Last evaluated 2024-05-30.

Allele frequency attached by ClinVar (database versions not stated): gnomAD 0.00001; gnomAD exomes 0.00001 and 0.00003; ExAC 0.00002; TOPMed 0.00002.
gnomAD v4.1: 44 of 1,587,818 alleles (0.0028%); highest among the groups gnomAD compares: Non-Finnish European, 0.0038%; no homozygotes.

Submissions (2):

Labcorp Genetics (formerly Invitae), Labcorp
Classification: Uncertain significance. Last evaluated: 2024-05-30. Review status: criteria provided, single submitter. Criteria: Invitae Variant Classification Sherloc (09022015). Collection method: clinical testing. Allele origin: germline.
Comment: This sequence change replaces aspartic acid, which is acidic and polar, with asparagine, which is neutral and polar, at codon 158 of the VAV1 protein (p.Asp158Asn). The frequency data for this variant in the population databases is considered unreliable, as metrics indicate poor data quality at this position in the gnomAD database. This variant has not been reported in the literature in individuals affected with VAV1-related conditions. ClinVar contains an entry for this variant (Variation ID: 618481). An algorithm developed to predict the effect of missense changes on protein structure and function (PolyPhen-2) suggests that this variant is likely to be disruptive. In summary, the available evidence is currently insufficient to determine the role of this variant in disease. Therefore, it has been classified as a Variant of Uncertain Significance.

ARUP Laboratories, Molecular Genetics and Genomics, ARUP Laboratories
Classification: Uncertain significance. Last evaluated: 2017-08-10. Review status: criteria provided, single submitter. Criteria: ARUP Molecular Germline Variant Investigation Process. Collection method: clinical testing. Allele origin: germline.
Comment: The p.Asp158Asn variant (rs765401527) has not been reported in the medical literature, gene specific variation databases, nor has it been previously identified by our laboratory. The aspartic acid at position 158 is moderately conserved (Alamut v.2.9.0) and computational analyses of the effects of the p.Asp158Asn variant on protein structure and function provide conflicting results (SIFT: Tolerated, MutationTaster: disease causing, PolyPhen-2: probably damaging). This variant is listed in the genome Aggregation Database (gnomAD) on 2 chromosomes (identified on 2 out of 203,206 chromosomes). Altogether, there is not enough evidence to classify the p.Asp158Asn variant with certainty.

NM_005428.4(VAV1):c.472G>A (p.Asp158Asn)

Gene: VAV1 (vav guanine nucleotide exchange factor 1; plus strand). Cytogenetic location: 19p13.3.
Variant type: single nucleotide variant.
Coding change: c.472G>A on transcript NM_005428.4 (MANE Select); coding-DNA position 472, G replaced by A.
Protein change: p.Asp158Asn; replaces aspartic acid 158 with asparagine.
Molecular consequence: missense variant.
Genome position (GRCh38, 1-based): chr19:6,822,243, G>A. VCF-style: chr19-6822243-G-A. GRCh37 (hg19) VCF-style: chr19-6822254-G-A.
Other names: c.472G>A, p.Asp158Asn (NM_001258206.2, NM_001258207.2); short protein forms D158N.
Identifiers: ClinVar variation 618481 (VCV000618481.11), dbSNP rs765401527, ClinGen allele CA9132248.
Genomic context (GRCh38, chr19:6,822,243, plus strand): 5'-GGAGAGGTCCAAGGGATCCCTGACCTCACAACCCACAGCGACACGGTGGAGGAGGATGAG[G>A]ACCTGTATGACTGCGTGGAGAATGAGGAGGCGGAAGGCGACGAGATCTATGAGGACCTCA-3'
Protein context (NP_005419.2, residues 148-168): QIDDTVEEDE[Asp158Asn]LYDCVENEEA